The following is an entry in ClinVar:

ClinVar aggregate classification (germline): Likely pathogenic (1 of 4 stars; one submission).

Conditions:
Primary ciliary dyskinesia. Also called: Ciliary dyskinesia. Identifiers: Orphanet 244, MedGen C0008780, MONDO:0016575, HP:0012265.

Allele frequency attached by ClinVar (database versions not stated): gnomAD exomes below 0.00001 and 0.00001.
gnomAD v4.1: 20 of 1,614,024 alleles (0.0012%); highest among the groups gnomAD compares: Non-Finnish European, 0.0017%; no homozygotes.

Submission:

Labcorp Genetics (formerly Invitae), Labcorp
Classification: Likely pathogenic for Primary ciliary dyskinesia. Last evaluated: 2025-03-10. Review status: criteria provided, single submitter. Criteria: Invitae Variant Classification Sherloc (09022015). Collection method: clinical testing. Allele origin: germline.
Comment: This sequence change affects a donor splice site in intron 2 of the RSPH9 gene. It is expected to disrupt RNA splicing. Variants that disrupt the donor or acceptor splice site typically lead to a loss of protein function (PMID: 16199547), and loss-of-function variants in RSPH9 are known to be pathogenic (PMID: 23993197, 25789548). This variant is present in population databases (no rsID available, gnomAD 0.0009%). This variant has not been reported in the literature in individuals affected with RSPH9-related conditions. ClinVar contains an entry for this variant (Variation ID: 935977). Algorithms developed to predict the effect of sequence changes on RNA splicing suggest that this variant may disrupt the consensus splice site. In summary, the currently available evidence indicates that the variant is pathogenic, but additional data are needed to prove that conclusively. Therefore, this variant has been classified as Likely Pathogenic.

Literature cited by the submitters: PubMed 16199547; PubMed 23993197; PubMed 25789548.

NM_152732.5(RSPH9):c.393+1G>A

Gene: RSPH9 (radial spoke head component 9; plus strand). Cytogenetic location: 6p21.1.
Variant type: single nucleotide variant.
Coding change: c.393+1G>A on transcript NM_152732.5 (MANE Select); the canonical splice donor site of the intron after coding-DNA position 393, G replaced by A.
Molecular consequence: splice donor variant.
Genome position (GRCh38, 1-based): chr6:43,650,541, G>A. VCF-style: chr6-43650541-G-A. GRCh37 (hg19) VCF-style: chr6-43618278-G-A.
Other names: c.393+1G>A (NM_001424119.1, NM_001193341.2, NM_001424120.1 and 1 more transcripts).
Identifiers: ClinVar variation 935977 (VCV000935977.9), dbSNP rs1054247330, ClinGen allele CA138333358.